The following is an entry in ClinVar:

ClinVar aggregate classification (germline): Benign. Review status: criteria provided, multiple submitters, no conflicts (2 of 4 stars). 3 submissions from 3 submitters: Benign (3). Last evaluated 2019-04-24.

Conditions:
Holoprosencephaly 11 (HPE11). Identifiers: Orphanet 2162, MedGen C3280215, MONDO:0013642, OMIM 614226.

Allele frequency attached by ClinVar (database versions not stated): 1000 Genomes Project 30x 0.02670; ESP Exome Variant Server 0.03046; gnomAD 0.02579 and 0.02395; ExAC 0.00797; 1000 Genomes Project 0.02456; TOPMed 0.02740.
gnomAD v4.1: 6,525 of 1,277,840 alleles (0.51%); highest among the groups gnomAD compares: African/African-American, 8.2%; 232 homozygotes.

Submissions (3):

GeneDx
Classification: Benign. Last evaluated: 2019-04-24. Review status: criteria provided, single submitter. Criteria: GeneDx Variant Classification Process June 2021. Collection method: clinical testing. Allele origin: germline. Affected: yes.

Illumina Laboratory Services, Illumina
Classification: Benign for Holoprosencephaly 11. Last evaluated: 2018-01-13. Review status: criteria provided, single submitter. Criteria: ICSL Variant Classification Criteria 13 December 2019. Collection method: clinical testing. Allele origin: germline.
Comment: This variant was observed in the ICSL laboratory as part of a predisposition screen in an ostensibly healthy population. It had not been previously curated by ICSL or reported in the Human Gene Mutation Database (HGMD: prior to June 1st, 2018), and was therefore a candidate for classification through an automated scoring system. Utilizing variant allele frequency, disease prevalence and penetrance estimates, and inheritance mode, an automated score was calculated to assess if this variant is too frequent to cause the disease. Based on the score and internal cut-off values, a variant classified as benign is not then subjected to further curation. The score for this variant resulted in a classification of benign for this disease.

Breakthrough Genomics
Classification: Benign. Review status: criteria provided, single submitter. Criteria: ACMG Guidelines, 2015. Collection method: not provided. Allele origin: germline. Inheritance: Autosomal dominant inheritance. Affected: yes.

NM_001378964.1(CDON):c.-51A>C

Gene: CDON (cell adhesion associated, oncogene regulated; minus strand). Cytogenetic location: 11q24.2.
Variant type: single nucleotide variant.
Coding change: c.-51A>C on transcript NM_001378964.1 (MANE Select); 51 bases upstream of the start codon, A replaced by C.
Molecular consequence: 5 prime UTR variant.
Genome position (GRCh38, 1-based): chr11:126,023,527, T>G on the plus strand (A>C on the coding strand, the complement: CDON is on the minus strand). VCF-style: chr11-126023527-T-G. GRCh37 (hg19) VCF-style: chr11-125893422-T-G.
Other names: c.-51A>C (NM_001243597.3, NM_016952.6).
Identifiers: ClinVar variation 303527 (VCV000303527.8), dbSNP rs11822173, ClinGen allele CA6352460.